The following is an entry in ClinVar:

ClinVar aggregate classification (germline): Likely benign (0 of 4 stars; one submission).

Conditions:
GLI2-related disorder. Also called: GLI2-related disorders; GLI2-related condition.

Submission:

PreventionGenetics, part of Exact Sciences
Classification: Likely benign for GLI2-related condition. Last evaluated: 2024-03-03. Review status: no assertion criteria provided. Collection method: clinical testing. Allele origin: germline.
Comment: This variant is classified as likely benign based on ACMG/AMP sequence variant interpretation guidelines (Richards et al. 2015 PMID: 25741868, with internal and published modifications).

NM_001374353.1(GLI2):c.4431C>T (p.Asn1477=)

Gene: GLI2 (GLI family zinc finger 2; plus strand). Cytogenetic location: 2q14.2.
Variant type: single nucleotide variant.
Coding change: c.4431C>T on transcript NM_001374353.1 (MANE Select); coding-DNA position 4431, C replaced by T.
Protein change: p.Asn1477=; no amino-acid change (asparagine 1477 retained).
Molecular consequence: synonymous variant.
Genome position (GRCh38, 1-based): chr2:120,990,396, C>T. VCF-style: chr2-120990396-C-T. GRCh37 (hg19) VCF-style: chr2-121747972-C-T.
Other names: c.4482C>T, p.Asn1494= (NM_001371271.1, NM_005270.5); c.4056C>T, p.Asn1352= (NM_001374354.1).
Identifiers: ClinVar variation 3061104 (VCV003061104.2), dbSNP rs2467786112, ClinGen allele CA428750639.
Genomic context (GRCh38, chr2:120,990,396, plus strand): 5'-ACAGCCACAGGCCTGTCAGGACAGCATCCAGCCCCAGCCCTTGCCCTCACCAGGGGTCAA[C>T]CAGGTGTCCAGCACTGTGGACTCCCAGCTCCTGGAGGCCCCCCAGATTGACTTCGATGCC-3'
Protein context (NP_001361282.1, residues 1467-1487): QPQPLPSPGV[Asn1477=]QVSSTVDSQL